The following is an entry in ClinVar:

NM_052947.4(ALPK2):c.2156A>G (p.His719Arg)

Gene: ALPK2 (alpha kinase 2; minus strand). Cytogenetic location: 18q21.31.
Variant type: single nucleotide variant.
Coding change: c.2156A>G on transcript NM_052947.4 (MANE Select); coding-DNA position 2156, A replaced by G.
Protein change: p.His719Arg; replaces histidine 719 with arginine.
Molecular consequence: missense variant.
Genome position (GRCh38, 1-based): chr18:58,538,031, T>C on the plus strand (A>G on the coding strand, the complement: ALPK2 is on the minus strand). VCF-style: chr18-58538031-T-C. GRCh37 (hg19) VCF-style: chr18-56205263-T-C.
Other names: short protein forms H719R.
Identifiers: ClinVar variation 3529404 (VCV003529404.1).

ClinVar aggregate classification (germline): Uncertain significance (1 of 4 stars; one submission).

Submission:

Ambry Genetics
Classification: Uncertain significance. Last evaluated: 2024-08-26. Review status: criteria provided, single submitter. Criteria: Ambry Variant Classification Scheme 2023. Collection method: clinical testing. Allele origin: germline.
Comment: The p.H719R variant (also known as c.2156A>G), located in coding exon 4 of the ALPK2 gene, results from an A to G substitution at nucleotide position 2156. The histidine at codon 719 is replaced by arginine, an amino acid with highly similar properties. This amino acid position is conserved. In addition, this alteration is predicted to be tolerated by in silico analysis. Based on the available evidence, the clinical significance of this variant remains unclear.